The following is an entry in ClinVar:

NM_005751.5(AKAP9):c.10163G>C (p.Arg3388Thr)

Gene: AKAP9 (A-kinase anchoring protein 9; plus strand). Cytogenetic location: 7q21.2.
Variant type: single nucleotide variant.
Coding change: c.10163G>C on transcript NM_005751.5 (MANE Select); coding-DNA position 10163, G replaced by C.
Protein change: p.Arg3388Thr; replaces arginine 3388 with threonine.
Molecular consequence: missense variant.
Genome position (GRCh38, 1-based): chr7:92,097,122, G>C. VCF-style: chr7-92097122-G-C. GRCh37 (hg19) VCF-style: chr7-91726436-G-C.
Other names: c.4808G>C, p.Arg1603Thr (NM_001379277.1); c.10139G>C, p.Arg3380Thr (NM_147185.3); short protein forms R3388T, R3380T, R1603T.
Identifiers: ClinVar variation 222491 (VCV000222491.2), dbSNP rs765397069, ClinGen allele CA353943.

ClinVar aggregate classification (germline): Uncertain significance (1 of 4 stars; one submission).

Conditions:
Long QT syndrome (LQTS). Identifiers: MedGen C0023976, MeSH D008133, MONDO:0002442. Disease mechanism: loss of function. Inheritance: Various modes of inheritance.

Allele frequency attached by ClinVar (database versions not stated): gnomAD exomes 0.00001; ExAC 0.00002.
gnomAD v4.1: 10 of 1,614,216 alleles (0.00062%); highest among the groups gnomAD compares: South Asian, 0.011%; no homozygotes.

Submission:

Labcorp Genetics (formerly Invitae), Labcorp
Classification: Uncertain significance for Long QT syndrome. Last evaluated: 2025-10-07. Review status: criteria provided, single submitter. Criteria: Invitae Variant Classification Sherloc (09022015). Collection method: clinical testing. Allele origin: germline.
Comment: This sequence change replaces arginine, which is basic and polar, with threonine, which is neutral and polar, at codon 3388 of the AKAP9 protein (p.Arg3388Thr). This variant is present in population databases (rs765397069, gnomAD 0.01%). This variant has not been reported in the literature in individuals affected with AKAP9-related conditions. ClinVar contains an entry for this variant (Variation ID: 222491). An algorithm developed to predict the effect of missense changes on protein structure and function (PolyPhen-2) suggests that this variant is likely to be disruptive. In summary, the available evidence is currently insufficient to determine the role of this variant in disease. Therefore, it has been classified as a Variant of Uncertain Significance.